The following is an entry in ClinVar:

ClinVar aggregate classification (germline): Uncertain significance. Review status: criteria provided, multiple submitters, no conflicts (2 of 4 stars). 3 submissions from 3 submitters: Uncertain significance (3). Last evaluated 2024-10-20.

Conditions:
Inborn genetic diseases. Identifiers: MedGen C0950123, MeSH D030342.
Glycogen storage disease IXb (GSD9B). Also called: GLYCOGENOSIS OF LIVER AND MUSCLE, AUTOSOMAL RECESSIVE; GSD IXb; PHOSPHORYLASE KINASE DEFICIENCY OF LIVER AND MUSCLE, AUTOSOMAL RECESSIVE. Identifiers: Orphanet 79240, MedGen C0543514, MONDO:0009868, OMIM 261750.

Allele frequency attached by ClinVar (database versions not stated): gnomAD 0.00001; gnomAD exomes 0.00001 and 0.00006; TOPMed 0.00003; ExAC 0.00007.
gnomAD v4.1: 21 of 1,612,934 alleles (0.0013%); highest among the groups gnomAD compares: Admixed American, 0.033%; no homozygotes.

Submissions (3):

Ambry Genetics
Classification: Uncertain significance for Inborn genetic diseases. Last evaluated: 2024-10-20. Review status: criteria provided, single submitter. Criteria: Ambry Variant Classification Scheme 2023. Collection method: clinical testing. Allele origin: germline.

Labcorp Genetics (formerly Invitae), Labcorp
Classification: Uncertain significance for Glycogen storage disease IXb. Last evaluated: 2022-10-13. Review status: criteria provided, single submitter. Criteria: Invitae Variant Classification Sherloc (09022015). Collection method: clinical testing. Allele origin: germline.
Comment: This sequence change replaces glycine, which is neutral and non-polar, with aspartic acid, which is acidic and polar, at codon 425 of the PHKB protein (p.Gly425Asp). This variant is present in population databases (rs774768331, gnomAD 0.04%). This variant has not been reported in the literature in individuals affected with PHKB-related conditions. ClinVar contains an entry for this variant (Variation ID: 1311806). Algorithms developed to predict the effect of missense changes on protein structure and function are either unavailable or do not agree on the potential impact of this missense change (SIFT: "Tolerated"; PolyPhen-2: "Probably Damaging"; Align-GVGD: "Class C0"). In summary, the available evidence is currently insufficient to determine the role of this variant in disease. Therefore, it has been classified as a Variant of Uncertain Significance.

GeneDx
Classification: Uncertain significance. Last evaluated: 2020-01-03. Review status: criteria provided, single submitter. Criteria: GeneDx Variant Classification Process June 2021. Collection method: clinical testing. Allele origin: germline. Affected: yes.
Comment: Has not been previously published as pathogenic or benign to our knowledge; In silico analysis, which includes protein predictors and evolutionary conservation, supports a deleterious effect

NM_000293.3(PHKB):c.1274G>A (p.Gly425Asp)

Gene: PHKB (phosphorylase kinase regulatory subunit beta; plus strand). Cytogenetic location: 16q12.1.
Variant type: single nucleotide variant.
Coding change: c.1274G>A on transcript NM_000293.3 (MANE Select); coding-DNA position 1274, G replaced by A.
Protein change: p.Gly425Asp; replaces glycine 425 with aspartic acid.
Molecular consequence: missense variant.
Genome position (GRCh38, 1-based): chr16:47,596,442, G>A. VCF-style: chr16-47596442-G-A. GRCh37 (hg19) VCF-style: chr16-47630353-G-A.
Other names: c.1253G>A, p.Gly418Asp (NM_001031835.3); c.1274G>A, p.Gly425Asp (NM_001363837.1); short protein forms G418D, G425D.
Identifiers: ClinVar variation 1311806 (VCV001311806.4), dbSNP rs774768331, ClinGen allele CA8040759.
Genomic context (GRCh38, chr16:47,596,442, plus strand): 5'-TTGTACCAAAGTACTATTATGTGCCAGCTGACTTTGTAGAATATGAAAAAAATAACCCTG[G>A]TAGTCAAAAACGATTTCCTAGCAACTGTGGCCGTGATGGAAAACTGTTTCTTTGGGGACA-3'
Protein context (NP_000284.1, residues 415-435): DFVEYEKNNP[Gly425Asp]SQKRFPSNCG